The following is an entry in ClinVar:

NM_014712.3(SETD1A):c.518-2A>G

Gene: SETD1A (SET domain containing 1A, histone lysine methyltransferase; plus strand). Cytogenetic location: 16p11.2.
Variant type: single nucleotide variant.
Coding change: c.518-2A>G on transcript NM_014712.3 (MANE Select); the canonical splice acceptor site of the intron before coding-DNA position 518, A replaced by G.
Molecular consequence: splice acceptor variant.
Genome position (GRCh38, 1-based): chr16:30,963,431, A>G. VCF-style: chr16-30963431-A-G. GRCh37 (hg19) VCF-style: chr16-30974752-A-G.
Identifiers: ClinVar variation 224650 (VCV000224650.2), dbSNP rs869312829, ClinGen allele CA354209.

ClinVar aggregate classification (germline): Pathogenic. Review status: criteria provided, multiple submitters, no conflicts (2 of 4 stars). 2 submissions from 2 submitters: Pathogenic (2). Last evaluated 2024-04-18.

Conditions:
Schizophrenia (SCZD). Identifiers: MedGen C0036341, MeSH D012559, MONDO:0005090, OMIM 181500, HP:0100753.

Allele frequency attached by ClinVar (database versions not stated): gnomAD exomes below 0.00001.

Submissions (2):

GeneDx
Classification: Pathogenic. Last evaluated: 2024-04-18. Review status: criteria provided, single submitter. Criteria: GeneDx Variant Classification Process June 2021. Collection method: clinical testing. Allele origin: germline. Affected: yes.
Comment: Canonical splice site variant predicted to result in a null allele in a gene for which loss of function is a known mechanism of disease; Not observed at significant frequency in large population cohorts (gnomAD); This variant is associated with the following publications: (PMID: 34803610, 26974950)

SNPedia
Classification: Pathogenic for Schizophrenia. Last evaluated: 2016-03-14. Review status: criteria provided, single submitter. Criteria: Singh et al. 2014. Collection method: literature only. Allele origin: de novo. Affected: yes. Observed: 1 variant allele.